The following is an entry in ClinVar:

ClinVar aggregate classification (germline): Uncertain significance (1 of 4 stars; one submission).

Conditions:
Infantile-onset X-linked spinal muscular atrophy. Also called: SPINAL MUSCULAR ATROPHY, X-LINKED LETHAL INFANTILE; AMC, DISTAL, X-LINKED; ARTHROGRYPOSIS, X-LINKED, TYPE I; Spinal Muscular Atrophy, X-Linked Infantile; Spinal muscular atrophy, X-linked 2. Identifiers: Orphanet 1145, MedGen C1844934, MONDO:0010532, OMIM 301830.

Submission:

Labcorp Genetics (formerly Invitae), Labcorp
Classification: Uncertain significance for Infantile-onset X-linked spinal muscular atrophy. Last evaluated: 2024-10-13. Review status: criteria provided, single submitter. Criteria: Invitae Variant Classification Sherloc (09022015). Collection method: clinical testing. Allele origin: germline.
Comment: This sequence change replaces isoleucine, which is neutral and non-polar, with methionine, which is neutral and non-polar, at codon 890 of the UBA1 protein (p.Ile890Met). This variant is not present in population databases (gnomAD no frequency). This variant has not been reported in the literature in individuals affected with UBA1-related conditions. An algorithm developed to predict the effect of missense changes on protein structure and function (PolyPhen-2) suggests that this variant is likely to be disruptive. In summary, the available evidence is currently insufficient to determine the role of this variant in disease. Therefore, it has been classified as a Variant of Uncertain Significance.

NM_003334.4(UBA1):c.2670C>G (p.Ile890Met)

Gene: UBA1 (ubiquitin like modifier activating enzyme 1; plus strand). Cytogenetic location: Xp11.3.
Variant type: single nucleotide variant.
Coding change: c.2670C>G on transcript NM_003334.4 (MANE Select); coding-DNA position 2670, C replaced by G.
Protein change: p.Ile890Met; replaces isoleucine 890 with methionine.
Molecular consequence: missense variant.
Genome position (GRCh38, 1-based): chrX:47,213,013, C>G. VCF-style: chrX-47213013-C-G. GRCh37 (hg19) VCF-style: chrX-47072412-C-G.
Other names: c.2670C>G, p.Ile890Met (NM_153280.3); short protein forms I890M.
Identifiers: ClinVar variation 3722842 (VCV003722842.2).